The following is an entry in ClinVar:

ClinVar aggregate classification (germline): Likely pathogenic (1 of 4 stars; one submission).

Submission:

GeneDx
Classification: Likely pathogenic. Last evaluated: 2017-03-24. Review status: criteria provided, single submitter. Criteria: GeneDx Variant Classification (06012015). Collection method: clinical testing. Allele origin: germline. Affected: yes.
Comment: The C311F variant in the STAMBP gene has not been reported previously as a pathogenic variant, nor as a benign variant, to our knowledge. The C311F variant is not observed in large population cohorts (Lek et al., 2016; 1000 Genomes Consortium et al., 2015; Exome Variant Server). The C311F variant is a non-conservative amino acid substitution, which is likely to impact secondary protein structure as these residues differ in polarity, charge, size and/or other properties. This substitution occurs at a position that is conserved across species. In silico analysis predicts this variant is probably damaging to the protein structure/function. The C311 codon is part of the deubiquitinase DUB domain, as an active-site residue of the catalytic domain (Davies et al., 2013). The C311F variant is a strong candidate for a pathogenic variant, however the possibility it may be a rare benign variant cannot be excluded.

NM_213622.4(STAMBP):c.932G>T (p.Cys311Phe)

Gene: STAMBP (STAM binding protein; plus strand). Cytogenetic location: 2p13.1.
Variant type: single nucleotide variant.
Coding change: c.932G>T on transcript NM_213622.4 (MANE Select); coding-DNA position 932, G replaced by T.
Protein change: p.Cys311Phe; replaces cysteine 311 with phenylalanine.
Molecular consequence: missense variant. On other transcripts: non-coding transcript variant (4).
Genome position (GRCh38, 1-based): chr2:73,850,440, G>T. VCF-style: chr2-73850440-G-T. GRCh37 (hg19) VCF-style: chr2-74077567-G-T.
Other names: c.932G>T, p.Cys311Phe (NM_001353967.2, NM_001353968.2, NM_001353969.2 and 3 more transcripts); c.527G>T, p.Cys176Phe (NM_001353971.2, NM_001353972.2, NM_001353973.2 and 3 more transcripts); short protein forms C311F, C176F.
Identifiers: ClinVar variation 424114 (VCV000424114.2), dbSNP rs1064796803, ClinGen allele CA16617762.
Genomic context (GRCh38, chr2:73,850,440, plus strand): 5'-GGAATGAATTTACCATTACCCATGTTCTCATCCCCAAGCAAAGTGCTGGGTCTGATTACT[G>T]CAACACAGAGAACGAAGAAGAACTTTTCCTCATACAGGATCAGCAGGGCCTCATCACACT-3'
Protein context (NP_998787.1, residues 301-321): IPKQSAGSDY[Cys311Phe]NTENEEELFL